The following is an entry in ClinVar:

ClinVar aggregate classification (germline): Likely benign. Review status: criteria provided, multiple submitters, no conflicts (2 of 4 stars). 2 submissions from 2 submitters: Likely benign (2). Last evaluated 2026-07-31.

Conditions:
Familial colorectal cancer type X. Identifiers: Orphanet 440437, MedGen C3896578, MONDO:0018604.

Allele frequency attached by ClinVar (database versions not stated): gnomAD exomes 0.00001; ExAC 0.00002.
gnomAD v4.1: 15 of 1,509,140 alleles (0.00099%); highest among the groups gnomAD compares: Non-Finnish European, 0.0014%; no homozygotes.

Submissions (2):

Myriad Genetics, Inc.
Classification: Likely benign for Familial colorectal cancer type X. Last evaluated: 2026-07-31. Review status: criteria provided, single submitter. Criteria: Myriad Autosomal Dominant, Autosomal Recessive and X-Linked Classification Criteria (2023). Collection method: clinical testing. Allele origin: unknown.
Comment: This variant is considered likely benign. This variant is intronic and is not expected to impact mRNA splicing.

Labcorp Genetics (formerly Invitae), Labcorp
Classification: Likely benign. Last evaluated: 2025-10-27. Review status: criteria provided, single submitter. Criteria: Invitae Variant Classification Sherloc (09022015). Collection method: clinical testing. Allele origin: germline.

NM_001023.4(RPS20):c.178-14G>A

Gene: RPS20 (ribosomal protein S20; minus strand). Cytogenetic location: 8q12.1.
Variant type: single nucleotide variant.
Coding change: c.178-14G>A on transcript NM_001023.4 (MANE Select); 14 bases into the intron before coding-DNA position 178, G replaced by A.
Molecular consequence: intron variant.
Genome position (GRCh38, 1-based): chr8:56,073,286, C>T on the plus strand (G>A on the coding strand, the complement: RPS20 is on the minus strand). VCF-style: chr8-56073286-C-T. GRCh37 (hg19) VCF-style: chr8-56985845-C-T.
Other names: c.178-14G>A (NM_001146227.3).
Identifiers: ClinVar variation 2729464 (VCV002729464.4), dbSNP rs763728957, ClinGen allele CA4754334.